The following is an entry in ClinVar:

ClinVar aggregate classification (germline): Uncertain significance. Review status: criteria provided, multiple submitters, no conflicts (2 of 4 stars). 4 submissions from 4 submitters: Uncertain significance (4). Last evaluated 2026-06-28.

Conditions:
Inborn genetic diseases. Identifiers: MedGen C0950123, MeSH D030342.
TCF3-related disorder. Also called: TCF3-related condition.

Allele frequency attached by ClinVar (database versions not stated): TOPMed 0.00005; gnomAD 0.00003.
gnomAD v4.1: 21 of 1,596,542 alleles (0.0013%); highest among the groups gnomAD compares: Admixed American, 0.027%; no homozygotes.

Submissions (4):

Ambry Genetics
Classification: Uncertain significance for Inborn genetic diseases. Last evaluated: 2026-06-28. Review status: criteria provided, single submitter. Criteria: Ambry Variant Classification Scheme 2023. Collection method: clinical testing. Allele origin: germline.
Comment: The c.1342C>G (p.P448A) alteration is located in exon 16 (coding exon 15) of the TCF3 gene. This alteration results from a C to G substitution at nucleotide position 1342, causing the proline (P) at amino acid position 448 to be replaced by an alanine (A). Based on data from gnomAD, the G allele has an overall frequency of 0.003% (1/31368) total alleles studied. The highest observed frequency was <0.001% (/) of alleles. Based on insufficient or conflicting evidence, the clinical significance of this alteration remains unclear.

PreventionGenetics, part of Exact Sciences
Classification: Uncertain significance for TCF3-related condition. Last evaluated: 2026-01-30. Review status: criteria provided, single submitter. Criteria: ACMG Guidelines, 2015. Collection method: clinical testing. Allele origin: germline.
Comment: The TCF3 c.1342C>G variant is predicted to result in the amino acid substitution p.Pro448Ala. To our knowledge, this variant has not been reported in the literature. This variant has been reported in 1 heterozygous individual within the 'other' subpopulation in gnomAD. At this time, the clinical significance of this variant is uncertain due to the absence of conclusive functional and genetic evidence.

Labcorp Genetics (formerly Invitae), Labcorp
Classification: Uncertain significance. Last evaluated: 2025-11-24. Review status: criteria provided, single submitter. Criteria: Invitae Variant Classification Sherloc (09022015). Collection method: clinical testing. Allele origin: germline.
Comment: This sequence change replaces proline, which is neutral and non-polar, with alanine, which is neutral and non-polar, at codon 448 of the TCF3 protein (p.Pro448Ala). This variant is present in population databases (no rsID available, gnomAD no frequency). This variant has not been reported in the literature in individuals affected with TCF3-related conditions. ClinVar contains an entry for this variant (Variation ID: 252616). Invitae Evidence Modeling of protein sequence and biophysical properties (such as structural, functional, and spatial information, amino acid conservation, physicochemical variation, residue mobility, and thermodynamic stability) indicates that this missense variant is not expected to disrupt TCF3 protein function with a negative predictive value of 80%. In summary, the available evidence is currently insufficient to determine the role of this variant in disease. Therefore, it has been classified as a Variant of Uncertain Significance.

Genomic Diagnostic Laboratory, Division of Genomic Diagnostics, Children's Hospital of Philadelphia
Classification: Uncertain significance. Last evaluated: 2015-09-24. Review status: criteria provided, single submitter. Criteria: DGD Variant Analysis Guidelines. Collection method: clinical testing. Allele origin: unknown.

NM_003200.5(TCF3):c.1342C>G (p.Pro448Ala)

Gene: TCF3 (transcription factor 3; minus strand). Cytogenetic location: 19p13.3.
Variant type: single nucleotide variant.
Coding change: c.1342C>G on transcript NM_003200.5 (MANE Select); coding-DNA position 1342, C replaced by G.
Protein change: p.Pro448Ala; replaces proline 448 with alanine.
Molecular consequence: missense variant.
Genome position (GRCh38, 1-based): chr19:1,619,219, G>C on the plus strand (C>G on the coding strand, the complement: TCF3 is on the minus strand). VCF-style: chr19-1619219-G-C. GRCh37 (hg19) VCF-style: chr19-1619218-G-C.
Other names: c.1342C>G, p.Pro448Ala (NM_001136139.4, NM_001351779.2); c.1339C>G, p.Pro447Ala (NM_001351778.2); short protein forms P448A, P447A.
Identifiers: ClinVar variation 252616 (VCV000252616.11), dbSNP rs879255378, ClinGen allele CA10586036.